The following is an entry in ClinVar:

NM_022168.4(IFIH1):c.2295C>A (p.Pro765=)

Gene: IFIH1 (interferon induced with helicase C domain 1; minus strand). Cytogenetic location: 2q24.2.
Variant type: single nucleotide variant.
Coding change: c.2295C>A on transcript NM_022168.4 (MANE Select); coding-DNA position 2295, C replaced by A.
Protein change: p.Pro765=; no amino-acid change (proline 765 retained).
Molecular consequence: synonymous variant.
Genome position (GRCh38, 1-based): chr2:162,276,696, G>T on the plus strand (C>A on the coding strand, the complement: IFIH1 is on the minus strand). VCF-style: chr2-162276696-G-T. GRCh37 (hg19) VCF-style: chr2-163133206-G-T.
Identifiers: ClinVar variation 703823 (VCV000703823.35), dbSNP rs769746385, ClinGen allele CA1934253.

ClinVar aggregate classification (germline): Likely benign. Review status: criteria provided, multiple submitters, no conflicts (2 of 4 stars). 4 submissions from 4 submitters: Likely benign (3). 1 of the submissions does not count toward it. Last evaluated 2025-12-21.

Conditions:
IFIH1-related disorder. Also called: IFIH1-related condition.
Aicardi-Goutieres syndrome 7 (AGS7). Identifiers: Orphanet 51, MedGen C3888244, MONDO:0014367, OMIM 615846.
Singleton-Merten syndrome 1 (SGMRT1). Also called: Widened medullary cavities of bone, aortic calcification, abnormal dentition, and muscular weakness; Syndrome of widened medullary cavities of the metacarpals and phalanges, aortic calcification and abnormal dentition. Identifiers: Orphanet 85191, MedGen C4225427, MONDO:0024535, OMIM 182250.

Allele frequency attached by ClinVar (database versions not stated): gnomAD exomes 0.00003 and 0.00006; ExAC 0.00005; gnomAD 0.00005 and 0.00006; TOPMed 0.00012.

Submissions (4):

Labcorp Genetics (formerly Invitae), Labcorp
Classification: Likely benign for Aicardi-Goutieres syndrome 7; Singleton-Merten syndrome 1. Last evaluated: 2025-12-21. Review status: criteria provided, single submitter. Criteria: Invitae Variant Classification Sherloc (09022015). Collection method: clinical testing. Allele origin: germline.

Blueprint Genetics
Classification: Likely benign. Last evaluated: 2024-01-17. Review status: criteria provided, single submitter. Criteria: ACMG Guidelines, 2015. Collection method: clinical testing. Allele origin: germline.

CeGaT Center for Human Genetics Tuebingen
Classification: Likely benign. Last evaluated: 2023-11-01. Review status: criteria provided, single submitter. Criteria: CeGaT Center For Human Genetics Tuebingen Variant Classification Criteria Version 2. Collection method: clinical testing. Allele origin: germline. Affected: yes. Observed: 1 variant allele.
Comment: IFIH1: BP4, BP7

PreventionGenetics, part of Exact Sciences
Classification: Likely benign for IFIH1-related condition. Last evaluated: 2019-04-01. Review status: no assertion criteria provided. Collection method: clinical testing. Allele origin: germline. Not counted in ClinVar's aggregate classification.
Comment: This variant is classified as likely benign based on ACMG/AMP sequence variant interpretation guidelines (Richards et al. 2015 PMID: 25741868, with internal and published modifications).